The following is an entry in ClinVar:

NM_000257.4(MYH7):c.1479G>A (p.Met493Ile)

Gene: MYH7 (myosin heavy chain 7; minus strand). Cytogenetic location: 14q11.2.
Variant type: single nucleotide variant.
Coding change: c.1479G>A on transcript NM_000257.4 (MANE Select); coding-DNA position 1479, G replaced by A.
Protein change: p.Met493Ile; replaces methionine 493 with isoleucine.
Molecular consequence: missense variant.
Genome position (GRCh38, 1-based): chr14:23,428,599, C>T on the plus strand (G>A on the coding strand, the complement: MYH7 is on the minus strand). VCF-style: chr14-23428599-C-T. GRCh37 (hg19) VCF-style: chr14-23897808-C-T.
Other names: p.M493I:ATG>ATA; c.1479G>A (LRG_384t1); short protein forms M493I.
Identifiers: ClinVar variation 181350 (VCV000181350.14), dbSNP rs730880876, ClinGen allele CA010820.

ClinVar aggregate classification (germline): Conflicting classifications of pathogenicity. Review status: criteria provided, conflicting classifications (1 of 4 stars). 3 submissions from 3 submitters: Pathogenic (1); Likely pathogenic (1); Uncertain significance (1). Last evaluated 2026-06-16.

Conditions:
Cardiovascular phenotype. Identifiers: MedGen CN230736.
Hypertrophic cardiomyopathy. Also called: HYPERTROPHIC MYOCARDIOPATHY. Identifiers: Orphanet 217569, MedGen C0007194, MeSH D002312, MONDO:0005045, HP:0001639.

Submissions (3):

Ambry Genetics
Classification: Uncertain significance for Cardiovascular phenotype. Last evaluated: 2026-06-16. Review status: criteria provided, single submitter. Criteria: Ambry Variant Classification Scheme 2023. Collection method: clinical testing. Allele origin: germline.
Comment: The p.M493I variant (also known as c.1479G>A), located in coding exon 13 of the MYH7 gene, results from a G to A substitution at nucleotide position 1479. The methionine at codon 493 is replaced by isoleucine, an amino acid with highly similar properties. This alteration is located in the myosin head domain, which contains a statistically significant clustering of pathogenic missense variants (Homburger JR et al. Proc Natl Acad Sci U S A, 2016 06;113:6701-6; Walsh R et al. Genet Med, 2017 02;19:192-203; Ambry internal data). This variant and a different nucleotide change resulting in the same amino acid substitution (p.M493I, c.1479G>C) have been detected in hypertrophic cardiomyopathy (HCM) cohorts and in cohorts referred for HCM genetic testing (Marsiglia JD et al. Am. Heart J., 2013 Oct;166:775-82; Homburger JR et al. Proc. Natl. Acad. Sci. U.S.A., 2016 06;113:6701-6; Walsh R et al. Genet. Med., 2017 02;19:192-203). This amino acid position is highly conserved in available vertebrate species. In addition, this alteration is predicted to be deleterious by in silico analysis. Since supporting evidence is limited at this time, the clinical significance of this alteration remains unclear.

Labcorp Genetics (formerly Invitae), Labcorp
Classification: Pathogenic for Hypertrophic cardiomyopathy. Last evaluated: 2025-03-31. Review status: criteria provided, single submitter. Criteria: Invitae Variant Classification Sherloc (09022015). Collection method: clinical testing. Allele origin: germline.
Comment: This sequence change replaces methionine, which is neutral and non-polar, with isoleucine, which is neutral and non-polar, at codon 493 of the MYH7 protein (p.Met493Ile). This variant is not present in population databases (gnomAD no frequency). This missense change has been observed in individuals with clinical features of hypertrophic cardiomyopathy (PMID: 24093860, 27247418, 27532257; internal data). ClinVar contains an entry for this variant (Variation ID: 181350). Invitae Evidence Modeling of protein sequence and biophysical properties (such as structural, functional, and spatial information, amino acid conservation, physicochemical variation, residue mobility, and thermodynamic stability) indicates that this missense variant is expected to disrupt MYH7 protein function with a positive predictive value of 95%. This variant disrupts the p.Met493 amino acid residue in MYH7. Other variant(s) that disrupt this residue have been observed in individuals with MYH7-related conditions (PMID: 23816408, 24093860, 28615295), which suggests that this may be a clinically significant amino acid residue. For these reasons, this variant has been classified as Pathogenic.

GeneDx
Classification: Likely pathogenic. Last evaluated: 2020-09-18. Review status: criteria provided, single submitter. Criteria: GeneDx Variant Classification Process June 2021. Collection method: clinical testing. Allele origin: germline. Affected: yes.
Comment: Reported in association with HCM, including at least one Brazilian patient with HCM; however, not all publications included coding DNA nomenclature (Marsiglia et al., 2013; Oliveira et al., 2015; Walsh et al., 2017); Not observed in large population cohorts (Lek et al., 2016); In silico analysis, which includes protein predictors and evolutionary conservation, supports a deleterious effect; This variant is associated with the following publications: (PMID: 27532257, 24093860, 25937619)

Literature cited by the submitters: PubMed 24093860 (cited by Ambry Genetics and Labcorp Genetics (formerly Invitae), Labcorp); PubMed 27247418 (cited by Ambry Genetics and Labcorp Genetics (formerly Invitae), Labcorp); PubMed 27532257 (cited by Ambry Genetics and Labcorp Genetics (formerly Invitae), Labcorp); PubMed 23816408 (cited by Labcorp Genetics (formerly Invitae), Labcorp); PubMed 28615295 (cited by Labcorp Genetics (formerly Invitae), Labcorp).